The following is an entry in ClinVar:

ClinVar aggregate classification (germline): Uncertain significance (1 of 4 stars; one submission).

Conditions:
SPTBN1-related disorder. Also called: SPTBN1-related condition.

gnomAD v4.1: 2 of 1,614,156 alleles (0.00012%); highest among the groups gnomAD compares: Non-Finnish European, 0.00017%; no homozygotes.

Submission:

PreventionGenetics, part of Exact Sciences
Classification: Uncertain significance for SPTBN1-related condition. Last evaluated: 2025-04-13. Review status: criteria provided, single submitter. Criteria: ACMG Guidelines, 2015. Collection method: clinical testing. Allele origin: germline.
Comment: The SPTBN1 c.7058A>G variant is predicted to result in the amino acid substitution p.Lys2353Arg. To our knowledge, this variant has not been reported in the literature. This variant is reported in 0.0054% of alleles in individuals of East Asian descent in gnomAD. At this time, the clinical significance of this variant is uncertain due to the absence of conclusive functional and genetic evidence.

NM_003128.3(SPTBN1):c.7058A>G (p.Lys2353Arg)

Genes: SPTBN1 (spectrin beta, non-erythrocytic 1; plus strand), SPTBN1-AS2 (SPTBN1 antisense RNA 2; minus strand). Cytogenetic location: 2p16.2.
Variant type: single nucleotide variant.
Coding change: c.7058A>G on transcript NM_003128.3 (MANE Select); coding-DNA position 7058, A replaced by G.
Protein change: p.Lys2353Arg; replaces lysine 2353 with arginine.
Molecular consequence: missense variant.
Genome position (GRCh38, 1-based): chr2:54,668,532, A>G. VCF-style: chr2-54668532-A-G. GRCh37 (hg19) VCF-style: chr2-54895669-A-G.
Other names: short protein forms K2353R.
Identifiers: ClinVar variation 5002065 (VCV005002065.1).
Genomic context (GRCh38, chr2:54,668,532, plus strand): 5'-TCGTCACCATCACCAGCGAGTCCAGTCCCGGCAAGCGGGAAAAGGACAAAGAGAAAGACA[A>G]AGAGAAGCGGTTCAGCCTTTTTGGCAAAAAGAAATGAACTCCTTTCCTTCACCTCCTGCC-3'
Protein context (NP_003119.2, residues 2343-2363): GKREKDKEKD[Lys2353Arg]EKRFSLFGKK